The following is an entry in ClinVar:

NM_003482.4(KMT2D):c.8131G>C (p.Ala2711Pro)

Gene: KMT2D (lysine methyltransferase 2D; minus strand). Cytogenetic location: 12q13.12.
Variant type: single nucleotide variant.
Coding change: c.8131G>C on transcript NM_003482.4 (MANE Select); coding-DNA position 8131, G replaced by C.
Protein change: p.Ala2711Pro; replaces alanine 2711 with proline.
Molecular consequence: missense variant.
Genome position (GRCh38, 1-based): chr12:49,039,533, C>G on the plus strand (G>C on the coding strand, the complement: KMT2D is on the minus strand). VCF-style: chr12-49039533-C-G. GRCh37 (hg19) VCF-style: chr12-49433316-C-G.
Other names: short protein forms A2711P.
Identifiers: ClinVar variation 4810101 (VCV004810101.1).

ClinVar aggregate classification (germline): Uncertain significance (1 of 4 stars; one submission).

Conditions:
Kabuki syndrome. Also called: NIIKAWA-KUROKI SYNDROME; Kabuki make-up syndrome. Identifiers: Orphanet 2322, MedGen C0796004, MONDO:0016512.

Submission:

Labcorp Genetics (formerly Invitae), Labcorp
Classification: Uncertain significance for Kabuki syndrome. Last evaluated: 2025-08-04. Review status: criteria provided, single submitter. Criteria: Invitae Variant Classification Sherloc (09022015). Collection method: clinical testing. Allele origin: germline.
Comment: This sequence change replaces alanine, which is neutral and non-polar, with proline, which is neutral and non-polar, at codon 2711 of the KMT2D protein (p.Ala2711Pro). This variant is not present in population databases (gnomAD no frequency). This variant has not been reported in the literature in individuals affected with KMT2D-related conditions. Invitae Evidence Modeling of protein sequence and biophysical properties (such as structural, functional, and spatial information, amino acid conservation, physicochemical variation, residue mobility, and thermodynamic stability) indicates that this missense variant is not expected to disrupt KMT2D protein function with a negative predictive value of 95%. In summary, the available evidence is currently insufficient to determine the role of this variant in disease. Therefore, it has been classified as a Variant of Uncertain Significance.